The following is an entry in ClinVar:

NM_025114.4(CEP290):c.2552T>A (p.Val851Asp)

Gene: CEP290 (centrosomal protein 290; minus strand). Cytogenetic location: 12q21.32.
Variant type: single nucleotide variant.
Coding change: c.2552T>A on transcript NM_025114.4 (MANE Select); coding-DNA position 2552, T replaced by A.
Protein change: p.Val851Asp; replaces valine 851 with aspartic acid.
Molecular consequence: missense variant.
Genome position (GRCh38, 1-based): chr12:88,107,030, A>T on the plus strand (T>A on the coding strand, the complement: CEP290 is on the minus strand). VCF-style: chr12-88107030-A-T. GRCh37 (hg19) VCF-style: chr12-88500807-A-T.
Other names: short protein forms V851D.
Identifiers: ClinVar variation 5020404 (VCV005020404.1).

ClinVar aggregate classification (germline): Uncertain significance (1 of 4 stars; one submission).

Submission:

Dasa
Classification: Uncertain significance. Last evaluated: 2026-06-10. Review status: criteria provided, single submitter. Criteria: DASA Assertion Criteria. Collection method: clinical testing. Allele origin: germline.
Comment: NM_025114.4(CEP290):c.2552T>A (p.Val851Asp) is a missense variant that results in the substitution of valine with aspartic acid. This variant is rare in population databases. Computational prediction algorithms are consistent with a benign effect. The currently available literature and clinical evidence are not sufficient to establish a definitive association between this variant and the reported condition. Therefore, this variant is classified as a variant of uncertain significance.